The following is an entry in ClinVar:

NM_005506.4(SCARB2):c.1271G>A (p.Arg424Gln)

Gene: SCARB2 (scavenger receptor class B member 2; minus strand). Cytogenetic location: 4q21.1.
Variant type: single nucleotide variant.
Coding change: c.1271G>A on transcript NM_005506.4 (MANE Select); coding-DNA position 1271, G replaced by A.
Protein change: p.Arg424Gln; replaces arginine 424 with glutamine.
Molecular consequence: missense variant.
Genome position (GRCh38, 1-based): chr4:76,163,352, C>T on the plus strand (G>A on the coding strand, the complement: SCARB2 is on the minus strand). VCF-style: chr4-76163352-C-T. GRCh37 (hg19) VCF-style: chr4-77084505-C-T.
Other names: p.R424Q:CGA>CAA; c.842G>A, p.Arg281Gln (NM_001204255.2); short protein forms R424Q, R281Q.
Identifiers: ClinVar variation 206705 (VCV000206705.21), dbSNP rs751827409, ClinGen allele CA317058.

ClinVar aggregate classification (germline): Conflicting classifications of pathogenicity. Review status: criteria provided, conflicting classifications (1 of 4 stars). 7 submissions from 7 submitters: Uncertain significance (6); Likely benign (1). Last evaluated 2026-01-12.

Conditions:
SCARB2-related disorder. Also called: SCARB2-related condition.
Inborn genetic diseases. Identifiers: MedGen C0950123, MeSH D030342.
Progressive myoclonic epilepsy. Also called: Myoclonic Epilepsies, Progressive; Familial progressive myoclonic epilepsy; Myoclonus epilepsy; Progressive myoclonus epilepsy. Identifiers: Orphanet 308, Orphanet 98261, MedGen C0751778, MONDO:0020074.
Action myoclonus-renal failure syndrome. Also called: EPILEPSY, PROGRESSIVE MYOCLONIC, 4, WITH RENAL FAILURE; EPILEPSY, PROGRESSIVE MYOCLONIC, 4, WITHOUT RENAL FAILURE; MYOCLONUS-NEPHROPATHY SYNDROME; SCARB2-Related Action Myoclonus-Renal Failure Syndrome. Identifiers: Orphanet 163696, MedGen C0751779, MeSH D020191, MONDO:0009699, OMIM 254900.

Allele frequency attached by ClinVar (database versions not stated): gnomAD 0.00006; TOPMed 0.00008.
gnomAD v4.1: 110 of 1,613,982 alleles (0.0068%); highest among the groups gnomAD compares: Admixed American, 0.12%; no homozygotes.

Submissions (7):

Labcorp Genetics (formerly Invitae), Labcorp
Classification: Uncertain significance for Progressive myoclonic epilepsy. Last evaluated: 2026-01-12. Review status: criteria provided, single submitter. Criteria: Invitae Variant Classification Sherloc (09022015). Collection method: clinical testing. Allele origin: germline.
Comment: This sequence change replaces arginine, which is basic and polar, with glutamine, which is neutral and polar, at codon 424 of the SCARB2 protein (p.Arg424Gln). This variant is present in population databases (rs751827409, gnomAD 0.2%). This variant has not been reported in the literature in individuals affected with SCARB2-related conditions. ClinVar contains an entry for this variant (Variation ID: 206705). Invitae Evidence Modeling of protein sequence and biophysical properties (such as structural, functional, and spatial information, amino acid conservation, physicochemical variation, residue mobility, and thermodynamic stability) indicates that this missense variant is not expected to disrupt SCARB2 protein function with a negative predictive value of 80%. In summary, the available evidence is currently insufficient to determine the role of this variant in disease. Therefore, it has been classified as a Variant of Uncertain Significance.

PreventionGenetics, part of Exact Sciences
Classification: Likely benign for SCARB2-related condition. Last evaluated: 2025-07-06. Review status: criteria provided, single submitter. Criteria: ACMG Guidelines, 2015. Collection method: clinical testing. Allele origin: germline.
Comment: This variant is classified as likely benign based on ACMG/AMP sequence variant interpretation guidelines (Richards et al. 2015 PMID: 25741868, with internal and published modifications).

Fulgent Genetics
Classification: Uncertain significance for Action myoclonus-renal failure syndrome. Last evaluated: 2024-06-11. Review status: criteria provided, single submitter. Criteria: ACMG Guidelines, 2015. Collection method: clinical testing. Allele origin: germline.

GeneDx
Classification: Uncertain significance. Last evaluated: 2024-05-16. Review status: criteria provided, single submitter. Criteria: GeneDx Variant Classification Process June 2021. Collection method: clinical testing. Allele origin: germline. Affected: yes.
Comment: In silico analysis indicates that this missense variant does not alter protein structure/function; Has not been previously published as pathogenic or benign to our knowledge; This variant is associated with the following publications: (PMID: 28492532)

Center for Genomics, Ann and Robert H. Lurie Children's Hospital of Chicago
Classification: Uncertain significance for Action myoclonus-renal failure syndrome. Last evaluated: 2022-05-03. Review status: criteria provided, single submitter. Criteria: ACMG Guidelines, 2015. Collection method: clinical testing. Allele origin: germline.
Comment: This variant has not been reported in the literature but is present in the Genome Aggregation Database (Highest reported MAF 0.02% (3/15280). This variant is present in ClinVar (Variation ID:206705). This variant amino acid Glutamine (Gln) is present in several species including multiple mammals and is not well conserved among evolutionarily distant species; this suggests that this variant may not impact the protein. Additional computational prediction tools do not suggest an impact. In summary, data on this variant is insufficient for disease classification. Therefore, the clinical significance of this variant is uncertain.

Ambry Genetics
Classification: Uncertain significance for Inborn genetic diseases. Last evaluated: 2019-01-17. Review status: criteria provided, single submitter. Criteria: Ambry Variant Classification Scheme 2023. Collection method: clinical testing. Allele origin: germline.
Comment: The p.R424Q variant (also known as c.1271G>A), located in coding exon 11 of the SCARB2 gene, results from a G to A substitution at nucleotide position 1271. The arginine at codon 424 is replaced by glutamine, an amino acid with highly similar properties. This amino acid position is not well conserved in available vertebrate species, and glutamine is the reference amino acid in other vertebrate species. In addition, this alteration is predicted to be tolerated by in silico analysis. Since supporting evidence is limited at this time, the clinical significance of this alteration remains unclear.

Eurofins Ntd Llc (ga)
Classification: Uncertain significance. Last evaluated: 2016-06-17. Review status: criteria provided, single submitter. Criteria: EGL Classification Definitions 2015. Collection method: clinical testing. Allele origin: germline. Observed: 1 variant allele, 1 heterozygote.